The following is an entry in ClinVar:

NM_001177701.3(IFT27):c.527G>A (p.Arg176Gln)

Genes: CACNG2-DT (CACNG2 divergent transcript; plus strand), IFT27 (intraflagellar transport 27; minus strand). Cytogenetic location: 22q12.3.
Variant type: single nucleotide variant.
Coding change: c.527G>A on transcript NM_001177701.3 (MANE Select); coding-DNA position 527, G replaced by A.
Protein change: p.Arg176Gln; replaces arginine 176 with glutamine.
Molecular consequence: missense variant.
Genome position (GRCh38, 1-based): chr22:36,758,345, C>T on the plus strand (G>A on the coding strand, the complement: IFT27 is on the minus strand). VCF-style: chr22-36758345-C-T. GRCh37 (hg19) VCF-style: chr22-37154389-C-T.
Other names: c.524G>A (NM_006860.4); c.527G>A, p.Arg176Gln (NM_001363003.2); c.524G>A, p.Arg175Gln (NM_006860.5); short protein forms R175Q, R176Q.
Identifiers: ClinVar variation 1489149 (VCV001489149.6), dbSNP rs568701732, ClinGen allele CA10212300.
Genomic context (GRCh38, chr22:36,758,345, plus strand): 5'-TGTGCAGCACGATCTGCTCCAGCTCGTCATGCCAGGGCCCGGAAAACCTCCACCTTCTCC[C>T]GGTACAGCTGGTGGAACTGCTTGGCAAGGCAGTGGAAAGGGGCTTCGAAGTTTTCCATCT-3'
Protein context (NP_001171172.1, residues 166-186): CLAKQFHQLY[Arg176Gln]EKVEVFRALA

ClinVar aggregate classification (germline): Uncertain significance. Review status: criteria provided, multiple submitters, no conflicts (2 of 4 stars). 2 submissions from 2 submitters: Uncertain significance (2). Last evaluated 2026-08-10.

Conditions:
IFT27-related disorder. Also called: IFT27-related condition.

Allele frequency attached by ClinVar (database versions not stated): gnomAD exomes 0.00002 and 0.00003; TOPMed 0.00002; ExAC 0.00003; gnomAD 0.00003 and 0.00004; 1000 Genomes Project 30x 0.00031; 1000 Genomes Project 0.00040.
gnomAD v4.1: 34 of 1,614,166 alleles (0.0021%); highest among the groups gnomAD compares: East Asian, 0.011%; no homozygotes.

Submissions (2):

PreventionGenetics, part of Exact Sciences
Classification: Uncertain significance for IFT27-related condition. Last evaluated: 2026-08-10. Review status: criteria provided, single submitter. Criteria: ACMG Guidelines, 2015. Collection method: clinical testing. Allele origin: germline.
Comment: The IFT27 c.524G>A variant is predicted to result in the amino acid substitution p.Arg175Gln. This variant has been reported in an individual with obesity; however, it was unclear whether a second IFT27 variant was also present (Tamaroff et al. 2023. PubMed ID: 37810530). This variant is reported in 0.015% of alleles in individuals of East Asian descent in gnomAD. At this time, the clinical significance of this variant is uncertain due to the absence of conclusive functional and genetic evidence.

Labcorp Genetics (formerly Invitae), Labcorp
Classification: Uncertain significance. Last evaluated: 2022-08-22. Review status: criteria provided, single submitter. Criteria: Invitae Variant Classification Sherloc (09022015). Collection method: clinical testing. Allele origin: germline.
Comment: This sequence change replaces arginine, which is basic and polar, with glutamine, which is neutral and polar, at codon 175 of the IFT27 protein (p.Arg175Gln). This variant is present in population databases (rs568701732, gnomAD 0.02%). This variant has not been reported in the literature in individuals affected with IFT27-related conditions. ClinVar contains an entry for this variant (Variation ID: 1489149). Advanced modeling of protein sequence and biophysical properties (such as structural, functional, and spatial information, amino acid conservation, physicochemical variation, residue mobility, and thermodynamic stability) performed at Invitae indicates that this missense variant is not expected to disrupt IFT27 protein function. In summary, the available evidence is currently insufficient to determine the role of this variant in disease. Therefore, it has been classified as a Variant of Uncertain Significance.